The following is an entry in ClinVar:

NM_002693.3(POLG):c.3531C>G (p.Val1177=)

Gene: POLG (DNA polymerase gamma, catalytic subunit; minus strand). Cytogenetic location: 15q26.1.
Variant type: single nucleotide variant.
Coding change: c.3531C>G on transcript NM_002693.3 (MANE Select); coding-DNA position 3531, C replaced by G.
Protein change: p.Val1177=; no amino-acid change (valine 1177 retained).
Molecular consequence: synonymous variant.
Genome position (GRCh38, 1-based): chr15:89,317,488, G>C on the plus strand (C>G on the coding strand, the complement: POLG is on the minus strand). VCF-style: chr15-89317488-G-C. GRCh37 (hg19) VCF-style: chr15-89860719-G-C.
Other names: c.3531C>G, p.Val1177= (NM_001126131.2).
Identifiers: ClinVar variation 2818182 (VCV002818182.3), dbSNP rs1060504039, ClinGen allele CA492070729.
Genomic context (GRCh38, chr15:89,317,488, plus strand): 5'-ACAATCCATGGTCACTTCCTTCCTGAGGCACCGGTCAATATCGACTGCACTGAAAAAGGC[G>C]ACTGACTGGGGCAAGTCATTCAGACCCAGCTTGTAGGCAAACATGCACCTGAAAGAGACC-3'
Protein context (NP_002684.1, residues 1167-1187): KLGLNDLPQS[Val1177=]AFFSAVDIDR

ClinVar aggregate classification (germline): Uncertain significance (1 of 4 stars; one submission).

Conditions:
Progressive sclerosing poliodystrophy (MTDPS4A). Also called: ALPERS PROGRESSIVE INFANTILE POLIODYSTROPHY; NEURONAL DEGENERATION OF CHILDHOOD WITH LIVER DISEASE, PROGRESSIVE; Alpers Syndrome; ALPERS DIFFUSE DEGENERATION OF CEREBRAL GRAY MATTER WITH HEPATIC CIRRHOSIS; Alpers-Huttenlocher Syndrome; Mitochondrial DNA Depletion Syndrome 4A. Identifiers: Orphanet 726, MedGen C0205710, MONDO:0008758, OMIM 203700.

gnomAD v4.1: 1 of 1,613,856 alleles (0.000062%); highest among the groups gnomAD compares: African/African-American, 0.0013%; no homozygotes.

Submission:

Labcorp Genetics (formerly Invitae), Labcorp
Classification: Uncertain significance for Progressive sclerosing poliodystrophy. Last evaluated: 2022-12-03. Review status: criteria provided, single submitter. Criteria: Invitae Variant Classification Sherloc (09022015). Collection method: clinical testing. Allele origin: germline.
Comment: Algorithms developed to predict the effect of sequence changes on RNA splicing suggest that this variant may disrupt the consensus splice site. This variant has not been reported in the literature in individuals affected with POLG-related conditions. This variant is present in population databases (no rsID available, gnomAD 0.01%). This sequence change affects codon 1177 of the POLG mRNA. It is a 'silent' change, meaning that it does not change the encoded amino acid sequence of the POLG protein. In summary, the available evidence is currently insufficient to determine the role of this variant in disease. Therefore, it has been classified as a Variant of Uncertain Significance.